The following is an entry in ClinVar:

NM_139321.3(ATRN):c.1816C>A (p.Pro606Thr)

Gene: ATRN (attractin; plus strand). Cytogenetic location: 20p13.
Variant type: single nucleotide variant.
Coding change: c.1816C>A on transcript NM_139321.3 (MANE Select); coding-DNA position 1816, C replaced by A.
Protein change: p.Pro606Thr; replaces proline 606 with threonine.
Molecular consequence: missense variant.
Genome position (GRCh38, 1-based): chr20:3,565,377, C>A. VCF-style: chr20-3565377-C-A. GRCh37 (hg19) VCF-style: chr20-3546024-C-A.
Other names: c.1468C>A, p.Pro490Thr (NM_001207047.3); c.1816C>A, p.Pro606Thr (NM_001323332.2, NM_139322.4); short protein forms P606T, P490T.
Identifiers: ClinVar variation 1346477 (VCV001346477.6), dbSNP rs755585176, ClinGen allele CA9744149.
Genomic context (GRCh38, chr20:3,565,377, plus strand): 5'-CCGTTTAAAAATATATTTTTCTTTCTCCTAGCCTGTGACCGCTGGTCAGTGCTTCCCAGA[C>A]CTGATCTCCACCATGATGTCAACAGATTTGGCCATTCAGCAGTCTTACACAACAGGTAAT-3'
Protein context (NP_647537.1, residues 596-616): ACDRWSVLPR[Pro606Thr]DLHHDVNRFG

ClinVar aggregate classification (germline): Uncertain significance (1 of 4 stars; one submission).

Allele frequency attached by ClinVar (database versions not stated): gnomAD exomes below 0.00001 and 0.00001; ExAC 0.00001; TOPMed 0.00001.
gnomAD v4.1: 2 of 1,614,092 alleles (0.00012%); highest among the groups gnomAD compares: East Asian, 0.0022%; no homozygotes.

Submission:

Labcorp Genetics (formerly Invitae), Labcorp
Classification: Uncertain significance. Last evaluated: 2022-06-05. Review status: criteria provided, single submitter. Criteria: Invitae Variant Classification Sherloc (09022015). Collection method: clinical testing. Allele origin: germline.
Comment: This sequence change replaces proline, which is neutral and non-polar, with threonine, which is neutral and polar, at codon 606 of the ATRN protein (p.Pro606Thr). This variant is present in population databases (rs755585176, gnomAD 0.02%). This variant has not been reported in the literature in individuals affected with ATRN-related conditions. ClinVar contains an entry for this variant (Variation ID: 1346477). Algorithms developed to predict the effect of missense changes on protein structure and function are either unavailable or do not agree on the potential impact of this missense change (SIFT: "Deleterious"; PolyPhen-2: "Probably Damaging"; Align-GVGD: "Class C0"). In summary, the available evidence is currently insufficient to determine the role of this variant in disease. Therefore, it has been classified as a Variant of Uncertain Significance.